The following is an entry in ClinVar:

ClinVar aggregate classification (germline): Uncertain significance (1 of 4 stars; one submission).

Submission:

GeneDx
Classification: Uncertain significance. Last evaluated: 2023-06-05. Review status: criteria provided, single submitter. Criteria: GeneDx Variant Classification Process June 2021. Collection method: clinical testing. Allele origin: germline. Affected: yes.
Comment: Not observed at significant frequency in large population cohorts (gnomAD); In silico analysis supports that this variant does not alter splicing; Has not been previously published as pathogenic or benign to our knowledge; Also known as 1016A>T

NM_007294.4(BRCA1):c.897A>T (p.Val299=)

Gene: BRCA1 (BRCA1 DNA repair associated; minus strand). Cytogenetic location: 17q21.31.
Variant type: single nucleotide variant.
Coding change: c.897A>T on transcript NM_007294.4 (MANE Select); coding-DNA position 897, A replaced by T.
Protein change: p.Val299=; no amino-acid change (valine 299 retained).
Molecular consequence: synonymous variant. On other transcripts: intron variant (137).
Genome position (GRCh38, 1-based): chr17:43,094,634, T>A on the plus strand (A>T on the coding strand, the complement: BRCA1 is on the minus strand). VCF-style: chr17-43094634-T-A. GRCh37 (hg19) VCF-style: chr17-41246651-T-A.
Other names: c.684A>T, p.Val228= (NM_001407571.1, NM_001407853.1, NM_001407894.1 and 9 more transcripts); c.897A>T, p.Val299= (NM_001407581.1, NM_001407582.1, NM_001407583.1 and 30 more transcripts); c.894A>T, p.Val298= (NM_001407587.1, NM_001407590.1, NM_001407591.1 and 22 more transcripts); c.888A>T, p.Val296= (NM_001407646.1, NM_001407647.1); c.774A>T, p.Val258= (NM_001407648.1, NM_001407664.1, NM_001407665.1 and 19 more transcripts); c.771A>T, p.Val257= (NM_001407649.1, NM_001407670.1, NM_001407671.1 and 11 more transcripts); c.819A>T, p.Val273= (NM_001407653.1, NM_001407654.1, NM_001407655.1 and 4 more transcripts); c.816A>T, p.Val272= (NM_001407659.1, NM_001407660.1, NM_001407661.1 and 1 more transcripts); and 40 more.
Identifiers: ClinVar variation 3338724 (VCV003338724.1).
Genomic context (GRCh38, chr17:43,094,634, plus strand): 5'-GTTATGTTGGCTCCTTGCTAAGCCAGGCTGTTTGCTTTTATTACAGAATTCAGCCTTTTC[T>A]ACATTCATTCTGTCTTTAGTGAGTAATAAACTGCTGTTCTCATGCTGTAATGAGCTGGCA-3'
Protein context (NP_009225.1, residues 289-309): SLLLTKDRMN[Val299=]EKAEFCNKSK